The following is an entry in ClinVar:

NM_000186.4(CFH):c.602A>G (p.Glu201Gly)

Gene: CFH (complement factor H; plus strand). Cytogenetic location: 1q31.3.
Variant type: single nucleotide variant.
Coding change: c.602A>G on transcript NM_000186.4 (MANE Select); coding-DNA position 602, A replaced by G.
Protein change: p.Glu201Gly; replaces glutamic acid 201 with glycine.
Molecular consequence: missense variant.
Genome position (GRCh38, 1-based): chr1:196,677,650, A>G. VCF-style: chr1-196677650-A-G. GRCh37 (hg19) VCF-style: chr1-196646780-A-G.
Other names: c.602A>G, p.Glu201Gly (NM_001014975.3); short protein forms E201G.
Identifiers: ClinVar variation 3336549 (VCV003336549.2).
Genomic context (GRCh38, chr1:196,677,650, plus strand): 5'-GCTACAAGATTGAAGGAGATGAAGAAATGCATTGTTCAGACGATGGTTTTTGGAGTAAAG[A>G]GAAACCAAAGTGTGTGGGTAAGATACACTTACTGTTTTAGTATTTTTAGCTTTTTAAATG-3'
Protein context (NP_000177.2, residues 191-211): HCSDDGFWSK[Glu201Gly]KPKCVEISCK

ClinVar aggregate classification (germline): Uncertain significance. Review status: criteria provided, multiple submitters, no conflicts (2 of 4 stars). 2 submissions from 2 submitters: Uncertain significance (2). Last evaluated 2024-05-16.

Conditions:
Basal laminar drusen. Also called: DRUSEN OF BRUCH MEMBRANE; DRUSEN, CUTICULAR; DRUSEN, EARLY ADULT-ONSET, GROUPED. Identifiers: Orphanet 75376, MedGen C0730295, MONDO:0007472, OMIM 126700.
Hemolytic uremic syndrome, atypical, susceptibility to, 1. Also called: AHUS, SUSCEPTIBILITY TO, 1. Identifiers: Orphanet 2134, Orphanet 90038, MedGen C2749604, MONDO:0009335, OMIM 235400. Disease mechanism: Other.
Age related macular degeneration 4. Identifiers: MedGen C1853147, MONDO:0012540, OMIM 610698.
Factor H deficiency (CFHD). Also called: COMPLEMENT FACTOR H DEFICIENCY; CFH DEFICIENCY. Identifiers: Orphanet 200421, MedGen C0398777, MONDO:0012350, OMIM 609814.

gnomAD v4.1: 7 of 1,613,016 alleles (0.00043%); highest among the groups gnomAD compares: East Asian, 0.0022%; no homozygotes.

Submissions (2):

Women's Health and Genetics/Laboratory Corporation of America, LabCorp
Classification: Uncertain significance. Last evaluated: 2024-05-16. Review status: criteria provided, single submitter. Criteria: LabCorp Variant Classification Summary - May 2015. Collection method: clinical testing. Allele origin: germline.
Comment: Variant summary: CFH c.602A>G (p.Glu201Gly) results in a non-conservative amino acid change located in the Sushi/SCR/CCP domain (IPR000436) of the encoded protein sequence. Four of five in-silico tools predict a benign effect of the variant on protein function. The variant allele was found at a frequency of 4e-06 in 250438 control chromosomes. The available data on variant occurrences in the general population are insufficient to allow any conclusion about variant significance. To our knowledge, no occurrence of c.602A>G in individuals affected with CFH-Related Disorders and no experimental evidence demonstrating its impact on protein function have been reported. No submitters have cited clinical-significance assessments for this variant to ClinVar. Based on the evidence outlined above, the variant was classified as uncertain significance.

Fulgent Genetics
Classification: Uncertain significance for Basal laminar drusen; Hemolytic uremic syndrome, atypical, susceptibility to, 1; Factor H deficiency; Age related macular degeneration 4. Last evaluated: 2024-04-12. Review status: criteria provided, single submitter. Criteria: ACMG Guidelines, 2015. Collection method: clinical testing. Allele origin: germline.